The following is an entry in ClinVar:

NM_007103.4(NDUFV1):c.1145G>A (p.Cys382Tyr)

Genes: NDUFV1 (NADH:ubiquinone oxidoreductase core subunit V1; plus strand), LOC126861242 (CDK7 strongly-dependent group 2 enhancer GRCh37_chr11:67379204-67380403; plus strand). Cytogenetic location: 11q13.2.
Variant type: single nucleotide variant.
Coding change: c.1145G>A on transcript NM_007103.4 (MANE Select); coding-DNA position 1145, G replaced by A.
Protein change: p.Cys382Tyr; replaces cysteine 382 with tyrosine.
Molecular consequence: missense variant.
Genome position (GRCh38, 1-based): chr11:67,611,961, G>A. VCF-style: chr11-67611961-G-A. GRCh37 (hg19) VCF-style: chr11-67379432-G-A.
Other names: c.1118G>A, p.Cys373Tyr (NM_001166102.2); short protein forms C382Y, C373Y.
Identifiers: ClinVar variation 2098948 (VCV002098948.4), dbSNP rs1334366268, ClinGen allele CA381541809.

ClinVar aggregate classification (germline): Likely pathogenic (1 of 4 stars; one submission).

Allele frequency attached by ClinVar (database versions not stated): TOPMed below 0.00001; gnomAD 0.00001.

Submission:

Labcorp Genetics (formerly Invitae), Labcorp
Classification: Likely pathogenic. Last evaluated: 2024-07-01. Review status: criteria provided, single submitter. Criteria: Invitae Variant Classification Sherloc (09022015). Collection method: clinical testing. Allele origin: germline.
Comment: This sequence change replaces cysteine, which is neutral and slightly polar, with tyrosine, which is neutral and polar, at codon 382 of the NDUFV1 protein (p.Cys382Tyr). This variant is not present in population databases (gnomAD no frequency). This missense change has been observed in individual(s) with NDUFV1-related conditions (Invitae). In at least one individual the data is consistent with being in trans (on the opposite chromosome) from a pathogenic variant. ClinVar contains an entry for this variant (Variation ID: 2098948). Advanced modeling of protein sequence and biophysical properties (such as structural, functional, and spatial information, amino acid conservation, physicochemical variation, residue mobility, and thermodynamic stability) performed at Invitae indicates that this missense variant is expected to disrupt NDUFV1 protein function with a positive predictive value of 80%. In summary, the currently available evidence indicates that the variant is pathogenic, but additional data are needed to prove that conclusively. Therefore, this variant has been classified as Likely Pathogenic.